The following is an entry in ClinVar:

ClinVar aggregate classification (germline): Uncertain significance (1 of 4 stars; one submission).

Conditions:
Hereditary cancer-predisposing syndrome. Also called: Tumor predisposition; Hereditary Cancer Syndrome; Hereditary neoplastic syndrome; Neoplastic Syndromes, Hereditary. Identifiers: Orphanet 140162, MedGen C0027672, MeSH D009386, MONDO:0015356.

Submission:

Ambry Genetics
Classification: Uncertain significance for Hereditary cancer-predisposing syndrome. Last evaluated: 2025-12-17. Review status: criteria provided, single submitter. Criteria: Ambry Variant Classification Scheme 2023. Collection method: clinical testing. Allele origin: germline.
Comment: The p.G228R variant (also known as c.682G>C), located in coding exon 3 of the PHOX2B gene, results from a G to C substitution at nucleotide position 682. The glycine at codon 228 is replaced by arginine, an amino acid with dissimilar properties. This amino acid position is conserved. In addition, the in silico prediction for this alteration is inconclusive. Based on the available evidence, the clinical significance of this variant remains unclear.

NM_003924.4(PHOX2B):c.682G>C (p.Gly228Arg)

Gene: PHOX2B (paired like homeobox 2B; minus strand). Cytogenetic location: 4p13.
Variant type: single nucleotide variant.
Coding change: c.682G>C on transcript NM_003924.4 (MANE Select); coding-DNA position 682, G replaced by C.
Protein change: p.Gly228Arg; replaces glycine 228 with arginine.
Molecular consequence: missense variant.
Genome position (GRCh38, 1-based): chr4:41,746,070, C>G on the plus strand (G>C on the coding strand, the complement: PHOX2B is on the minus strand). VCF-style: chr4-41746070-C-G. GRCh37 (hg19) VCF-style: chr4-41748087-C-G.
Other names: short protein forms G228R.
Identifiers: ClinVar variation 3223595 (VCV003223595.2), dbSNP rs1168393338, ClinGen allele CA356737410.